The following is an entry in ClinVar:

NM_001430.5(EPAS1):c.1699A>C (p.Met567Leu)

Gene: EPAS1 (endothelial PAS domain protein 1; plus strand). Cytogenetic location: 2p21.
Variant type: single nucleotide variant.
Coding change: c.1699A>C on transcript NM_001430.5 (MANE Select); coding-DNA position 1699, A replaced by C.
Protein change: p.Met567Leu; replaces methionine 567 with leucine.
Molecular consequence: missense variant.
Genome position (GRCh38, 1-based): chr2:46,380,371, A>C. VCF-style: chr2-46380371-A-C. GRCh37 (hg19) VCF-style: chr2-46607510-A-C.
Other names: short protein forms M567L.
Identifiers: ClinVar variation 3221569 (VCV003221569.1), dbSNP rs2546476994, ClinGen allele CA346704694.

ClinVar aggregate classification (germline): Uncertain significance (1 of 4 stars; one submission).

Conditions:
Inborn genetic diseases. Identifiers: MedGen C0950123, MeSH D030342.

Submission:

Ambry Genetics
Classification: Uncertain significance for Inborn genetic diseases. Last evaluated: 2023-11-27. Review status: criteria provided, single submitter. Criteria: Ambry Variant Classification Scheme 2023. Collection method: clinical testing. Allele origin: germline.
Comment: The p.M567L variant (also known as c.1699A>C), located in coding exon 12 of the EPAS1 gene, results from an A to C substitution at nucleotide position 1699. The methionine at codon 567 is replaced by leucine, an amino acid with highly similar properties. This amino acid position is conserved. In addition, this alteration is predicted to be tolerated by in silico analysis. Since supporting evidence is limited at this time, the clinical significance of this alteration remains unclear.